The following is an entry in ClinVar:

NM_000257.4(MYH7):c.5602G>A (p.Val1868Ile)

Gene: MYH7 (myosin heavy chain 7; minus strand). Cytogenetic location: 14q11.2.
Variant type: single nucleotide variant.
Coding change: c.5602G>A on transcript NM_000257.4 (MANE Select); coding-DNA position 5602, G replaced by A.
Protein change: p.Val1868Ile; replaces valine 1868 with isoleucine.
Molecular consequence: missense variant.
Genome position (GRCh38, 1-based): chr14:23,414,060, C>T on the plus strand (G>A on the coding strand, the complement: MYH7 is on the minus strand). VCF-style: chr14-23414060-C-T. GRCh37 (hg19) VCF-style: chr14-23883269-C-T.
Other names: short protein forms V1868I.
Identifiers: ClinVar variation 1011280 (VCV001011280.8), dbSNP rs560939959, ClinGen allele CA389034890.

ClinVar aggregate classification (germline): Uncertain significance (1 of 4 stars; one submission).

Conditions:
Hypertrophic cardiomyopathy. Also called: HYPERTROPHIC MYOCARDIOPATHY. Identifiers: Orphanet 217569, MedGen C0007194, MeSH D002312, MONDO:0005045, HP:0001639.

Allele frequency attached by ClinVar (database versions not stated): gnomAD exomes below 0.00001.
gnomAD v4.1: 1 of 1,613,992 alleles (0.000062%); highest among the groups gnomAD compares: Non-Finnish European, 0.000085%; no homozygotes.

Submission:

Labcorp Genetics (formerly Invitae), Labcorp
Classification: Uncertain significance for Hypertrophic cardiomyopathy. Last evaluated: 2020-05-30. Review status: criteria provided, single submitter. Criteria: Invitae Variant Classification Sherloc (09022015). Collection method: clinical testing. Allele origin: germline.
Comment: This sequence change replaces valine with isoleucine at codon 1868 of the MYH7 protein (p.Val1868Ile). The valine residue is highly conserved and there is a small physicochemical difference between valine and isoleucine. This variant is not present in population databases (ExAC no frequency). This variant has not been reported in the literature in individuals with MYH7-related conditions. Algorithms developed to predict the effect of missense changes on protein structure and function are either unavailable or do not agree on the potential impact of this missense change (SIFT: "Deleterious"; PolyPhen-2: "Benign"; Align-GVGD: "Class C0"). In summary, the available evidence is currently insufficient to determine the role of this variant in disease. Therefore, it has been classified as a Variant of Uncertain Significance.